The following is an entry in ClinVar:

ClinVar aggregate classification (germline): Conflicting classifications of pathogenicity. Review status: criteria provided, conflicting classifications (1 of 4 stars). 3 submissions from 2 submitters: Likely pathogenic (2); Uncertain significance (1). Last evaluated 2022-01-12.

Conditions:
Methylcobalamin deficiency type cblG (HMAG). Also called: Functional methionine synthase deficiency type cblG; HOMOCYSTINURIA-MEGALOBLASTIC ANEMIA, cblG TYPE; HOMOCYSTINURIA-MEGALOBLASTIC ANEMIA, cblG COMPLEMENTATION TYPE; HOMOCYSTINURIA-MEGALOBLASTIC ANEMIA DUE TO DEFECT IN COBALAMIN METABOLISM, cblG COMPLEMENTATION TYPE. Identifiers: Orphanet 2170, Orphanet 622, MedGen C1855128, MONDO:0009609, OMIM 250940.
Neural tube defects, folate-sensitive (NTDFS). Also called: NTD, FOLATE-SENSITIVE. Identifiers: Orphanet 823, MedGen C1866558, MONDO:0011120, OMIM 601634.
Methylcobalamin deficiency type cblE (HMAE). Also called: VITAMIN B12-RESPONSIVE HOMOCYSTINURIA, cblE TYPE; HOMOCYSTINURIA-MEGALOBLASTIC ANEMIA, cblE TYPE; HOMOCYSTINURIA-MEGALOBLASTIC ANEMIA, cblE COMPLEMENTATION TYPE. Identifiers: Orphanet 2169, Orphanet 622, MedGen C1856057, MONDO:0009354, OMIM 236270.

Allele frequency attached by ClinVar (database versions not stated): gnomAD exomes below 0.00001.
gnomAD v4.1: 3 of 1,614,188 alleles (0.00019%); highest among the groups gnomAD compares: South Asian, 0.0033%; no homozygotes.

Submissions (3):

Baylor Genetics
Classification: Uncertain significance for Neural tube defects, folate-sensitive. Last evaluated: 2022-01-12. Review status: criteria provided, single submitter. Criteria: ACMG Guidelines, 2015. Collection method: clinical testing. Allele origin: unknown.

Neuberg Centre For Genomic Medicine, NCGM
Classification: Likely pathogenic for Methylcobalamin deficiency type cblE. Review status: criteria provided, single submitter. Criteria: ACMG Guidelines, 2015. Collection method: clinical testing. Allele origin: germline. Inheritance: Autosomal recessive inheritance. Affected: yes.
Comment: The splice acceptor variant c.781-2A>T in MTRR (NM_002454.3) has not been reported previously as a pathogenic variant nor as a benign variant, to our knowledge. The c.781-2A>T variant is observed in 1/30,612 (0.0033%) alleles from individuals of South Asian background in gnomAD Exomes and is novel (not in any individuals) in 1000 Genomes. This variant affects an invariant splice nucleotide and hence is predicted to cause protein truncation. For these reasons, this variant has been classified as Likely Pathogenic.

Neuberg Centre For Genomic Medicine, NCGM
Classification: Likely pathogenic for Methylcobalamin deficiency type cblG. Review status: criteria provided, single submitter. Criteria: ACMG Guidelines, 2015. Collection method: clinical testing. Allele origin: germline. Inheritance: Autosomal recessive inheritance. Affected: yes.
Comment: The splice acceptor c.781-2A>T gene has not been reported previously as a pathogenic variant nor as a benign variant, to our knowledge. The c.781-2A>T variant is reported with an allele frequency of 0.0004% in the gnomAD exomes database and is novel (not in any individuals) in 1000 Genomes database. This variant has not been reported to the ClinVar database. SpliceAi predicts a acceptor loss of 0.99 & an acceptor gain of 0.57 for this variant, indicating that this variant might strongly affect the consensus splice site. Loss of function variants have been previously reported to be disease causing. For these reasons, this variant has been classified as Likely Pathogenic.

NM_002454.3(MTRR):c.781-2A>T

Gene: MTRR (5-methyltetrahydrofolate-homocysteine methyltransferase reductase; plus strand). Cytogenetic location: 5p15.31.
Variant type: single nucleotide variant.
Coding change: c.781-2A>T on transcript NM_002454.3 (MANE Select); the canonical splice acceptor site of the intron before coding-DNA position 781, A replaced by T.
Molecular consequence: splice acceptor variant.
Genome position (GRCh38, 1-based): chr5:7,883,153, A>T. VCF-style: chr5-7883153-A-T. GRCh37 (hg19) VCF-style: chr5-7883266-A-T.
Other names: c.781-2A>T (NM_001364440.2, NM_001364441.2, NM_001364442.2 and 1 more transcripts).
Identifiers: ClinVar variation 2627441 (VCV002627441.3), dbSNP rs1254913477, ClinGen allele CA359157457.